The following is an entry in ClinVar:

ClinVar aggregate classification (germline): Pathogenic (1 of 4 stars; one submission).

Conditions:
Spinocerebellar ataxia, autosomal recessive, with axonal neuropathy 2 (SCAN2). Also called: Ataxia with Oculomotor Apraxia Type 2; ATAXIA-OCULOMOTOR APRAXIA 2; Ataxia with Oculomotor Apraxia; Ataxia-ocular apraxia-2. Identifiers: Orphanet 64753, MedGen C1853761, MONDO:0018996, OMIM 606002.
Amyotrophic lateral sclerosis type 4 (ALS4). Also called: AMYOTROPHIC LATERAL SCLEROSIS 4, JUVENILE; NEURONOPATHY, DISTAL HEREDITARY MOTOR, WITH PYRAMIDAL FEATURES. Identifiers: Orphanet 357043, MedGen C1865409, MONDO:0011223, OMIM 602433.

Submission:

Labcorp Genetics (formerly Invitae), Labcorp
Classification: Pathogenic for Amyotrophic lateral sclerosis type 4; Spinocerebellar ataxia, autosomal recessive, with axonal neuropathy 2. Last evaluated: 2025-12-18. Review status: criteria provided, single submitter. Criteria: Invitae Variant Classification Sherloc (09022015). Collection method: clinical testing. Allele origin: germline.
Comment: This sequence change creates a premature translational stop signal (p.Ala1406Ilefs*22) in the SETX gene. It is expected to result in an absent or disrupted protein product. Loss-of-function variants in SETX are known to be pathogenic (PMID: 14770181). This variant is not present in population databases (gnomAD no frequency). This variant has not been reported in the literature in individuals affected with SETX-related conditions. For these reasons, this variant has been classified as Pathogenic.

Literature cited by the submitters: PubMed 14770181.

NM_015046.7(SETX):c.4174_4214dup (p.Ala1406fs)

Gene: SETX (senataxin; minus strand). Cytogenetic location: 9q34.13.
Variant type: Duplication.
Coding change: c.4174_4214dup on transcript NM_015046.7 (MANE Select); coding-DNA positions 4174 to 4214, 41 bases duplicated.
Protein change: p.Ala1406fs; shifts the reading frame from alanine 1406.
Molecular consequence: frameshift variant.
Genome position (GRCh38, 1-based): chr9:132,327,384-132,327,424, 41 bases duplicated; duplicating any 41 consecutive bases within chr9:132,327,384-132,327,426 gives the same sequence; the c. name uses the placement nearest the transcript's 3' end. GRCh37 (hg19): chr9:135,202,773-135,202,813.
Other names: c.4174_4214dup, p.Ala1406fs (NM_001351527.2, NM_001351528.2); short protein forms A1406fs.
Identifiers: ClinVar variation 4786977 (VCV004786977.1).